The following is an entry in ClinVar:

NM_025179.4(PLXNA2):c.2610G>A (p.Pro870=)

Gene: PLXNA2 (plexin A2; minus strand). Cytogenetic location: 1q32.2.
Variant type: single nucleotide variant.
Coding change: c.2610G>A on transcript NM_025179.4 (MANE Select); coding-DNA position 2610, G replaced by A.
Protein change: p.Pro870=; no amino-acid change (proline 870 retained).
Molecular consequence: synonymous variant.
Genome position (GRCh38, 1-based): chr1:208,060,814, C>T on the plus strand (G>A on the coding strand, the complement: PLXNA2 is on the minus strand). VCF-style: chr1-208060814-C-T. GRCh37 (hg19) VCF-style: chr1-208234159-C-T.
Other names: c.2610G>A (NM_025179.3).
Identifiers: ClinVar variation 1533807 (VCV001533807.10), dbSNP rs140585758, ClinGen allele CA1373454.

ClinVar aggregate classification (germline): Likely benign. Review status: criteria provided, single submitter (1 of 4 stars). 2 submissions from 2 submitters: Likely benign (1). 1 of the submissions does not count toward it. Last evaluated 2025-12-02.

Conditions:
PLXNA2-related disorder. Also called: PLXNA2-related condition.

Allele frequency attached by ClinVar (database versions not stated): ExAC 0.00011; gnomAD exomes 0.00012; gnomAD 0.00013 and 0.00014; TOPMed 0.00014; ESP Exome Variant Server 0.00023.
gnomAD v4.1: 204 of 1,614,050 alleles (0.013%); highest among the groups gnomAD compares: Middle Eastern, 0.016%; no homozygotes.

Submissions (2):

Labcorp Genetics (formerly Invitae), Labcorp
Classification: Likely benign. Last evaluated: 2025-12-02. Review status: criteria provided, single submitter. Criteria: Invitae Variant Classification Sherloc (09022015). Collection method: clinical testing. Allele origin: germline.

PreventionGenetics, part of Exact Sciences
Classification: Likely benign for PLXNA2-related condition. Last evaluated: 2023-11-21. Review status: no assertion criteria provided. Collection method: clinical testing. Allele origin: germline. Not counted in ClinVar's aggregate classification.
Comment: This variant is classified as likely benign based on ACMG/AMP sequence variant interpretation guidelines (Richards et al. 2015 PMID: 25741868, with internal and published modifications).